The following is an entry in ClinVar:

NM_016553.5(NUP62):c.1323_1324inv (p.Ala442Thr)

Genes: IL4I1 (interleukin 4 induced 1; minus strand), NUP62 (nucleoporin 62; minus strand). Cytogenetic location: 19q13.33.
Variant type: Inversion.
Coding change: c.1323_1324inv on transcript NM_016553.5 (MANE Select).
Protein change: p.Ala442Thr; replaces alanine 442 with threonine.
Molecular consequence: missense variant. On other transcripts: intron variant (3).
Genome position: GRCh38 VCF-style: chr19-49908484-CA-TG. GRCh37 (hg19) VCF-style: chr19-50411741-CA-TG.
Other names: c.1323_1324inv, p.Ala442Thr (NM_012346.5, NM_153718.4, NM_153719.4 and 1 more transcripts); c.-227-4164_-227-4163inv (NM_001258017.2, NM_172374.3); c.-285-4164_-285-4163inv (NM_001258018.2); short protein forms A442T.
Identifiers: ClinVar variation 3694089 (VCV003694089.2).

ClinVar aggregate classification (germline): Uncertain significance (1 of 4 stars; one submission).

Submission:

Labcorp Genetics (formerly Invitae), Labcorp
Classification: Uncertain significance. Last evaluated: 2024-04-03. Review status: criteria provided, single submitter. Criteria: Invitae Variant Classification Sherloc (09022015). Collection method: clinical testing. Allele origin: germline.
Comment: This sequence change replaces alanine, which is neutral and non-polar, with threonine, which is neutral and polar, at codon 442 of the NUP62 protein (p.Ala442Thr). Information on the frequency of this variant in the gnomAD database is not available, as this variant may be reported differently in the database. This variant has not been reported in the literature in individuals affected with NUP62-related conditions. Experimental studies and prediction algorithms are not available or were not evaluated, and the functional significance of this variant is currently unknown. In summary, the available evidence is currently insufficient to determine the role of this variant in disease. Therefore, it has been classified as a Variant of Uncertain Significance.